The following is an entry in ClinVar:

NM_001122769.3(LCA5):c.305A>G (p.Lys102Arg)

Gene: LCA5 (lebercilin LCA5; minus strand). Cytogenetic location: 6q14.1.
Variant type: single nucleotide variant.
Coding change: c.305A>G on transcript NM_001122769.3 (MANE Select); coding-DNA position 305, A replaced by G.
Protein change: p.Lys102Arg; replaces lysine 102 with arginine.
Molecular consequence: missense variant.
Genome position (GRCh38, 1-based): chr6:79,513,627, T>C on the plus strand (A>G on the coding strand, the complement: LCA5 is on the minus strand). VCF-style: chr6-79513627-T-C. GRCh37 (hg19) VCF-style: chr6-80223344-T-C.
Other names: c.305A>G, p.Lys102Arg (NM_181714.4); short protein forms K102R.
Identifiers: ClinVar variation 1973454 (VCV001973454.6), dbSNP rs779428839, ClinGen allele CA3901142.

ClinVar aggregate classification (germline): Uncertain significance. Review status: criteria provided, multiple submitters, no conflicts (2 of 4 stars). 2 submissions from 2 submitters: Uncertain significance (2). Last evaluated 2025-09-22.

Conditions:
Inborn genetic diseases. Identifiers: MedGen C0950123, MeSH D030342.

Allele frequency attached by ClinVar (database versions not stated): TOPMed below 0.00001; gnomAD exomes 0.00001; ExAC 0.00002.

Submissions (2):

Ambry Genetics
Classification: Uncertain significance for Inborn genetic diseases. Last evaluated: 2025-09-22. Review status: criteria provided, single submitter. Criteria: Ambry Variant Classification Scheme 2023. Collection method: clinical testing. Allele origin: germline.

Labcorp Genetics (formerly Invitae), Labcorp
Classification: Uncertain significance. Last evaluated: 2024-12-02. Review status: criteria provided, single submitter. Criteria: Invitae Variant Classification Sherloc (09022015). Collection method: clinical testing. Allele origin: germline.
Comment: This sequence change replaces lysine, which is basic and polar, with arginine, which is basic and polar, at codon 102 of the LCA5 protein (p.Lys102Arg). This variant is present in population databases (rs779428839, gnomAD 0.01%). This variant has not been reported in the literature in individuals affected with LCA5-related conditions. ClinVar contains an entry for this variant (Variation ID: 1973454). Invitae Evidence Modeling of protein sequence and biophysical properties (such as structural, functional, and spatial information, amino acid conservation, physicochemical variation, residue mobility, and thermodynamic stability) indicates that this missense variant is not expected to disrupt LCA5 protein function with a negative predictive value of 80%. In summary, the available evidence is currently insufficient to determine the role of this variant in disease. Therefore, it has been classified as a Variant of Uncertain Significance.